The following is an entry in ClinVar:

ClinVar aggregate classification (germline): Uncertain significance (1 of 4 stars; one submission).

Submission:

Labcorp Genetics (formerly Invitae), Labcorp
Classification: Uncertain significance. Last evaluated: 2024-07-23. Review status: criteria provided, single submitter. Criteria: Invitae Variant Classification Sherloc (09022015). Collection method: clinical testing. Allele origin: germline.
Comment: This sequence change replaces asparagine, which is neutral and polar, with serine, which is neutral and polar, at codon 47 of the MFAP5 protein (p.Asn47Ser). This variant is not present in population databases (gnomAD no frequency). This variant has not been reported in the literature in individuals affected with MFAP5-related conditions. An algorithm developed to predict the effect of missense changes on protein structure and function (PolyPhen-2) suggests that this variant is likely to be tolerated. In summary, the available evidence is currently insufficient to determine the role of this variant in disease. Therefore, it has been classified as a Variant of Uncertain Significance.

NM_003480.4(MFAP5):c.140A>G (p.Asn47Ser)

Gene: MFAP5 (microfibril associated protein 5; minus strand). Cytogenetic location: 12p13.31.
Variant type: single nucleotide variant.
Coding change: c.140A>G on transcript NM_003480.4 (MANE Select); coding-DNA position 140, A replaced by G.
Protein change: p.Asn47Ser; replaces asparagine 47 with serine.
Molecular consequence: missense variant. On other transcripts: non-coding transcript variant (2).
Genome position (GRCh38, 1-based): chr12:8,655,447, T>C on the plus strand (A>G on the coding strand, the complement: MFAP5 is on the minus strand). VCF-style: chr12-8655447-T-C. GRCh37 (hg19) VCF-style: chr12-8808043-T-C.
Other names: c.140A>G, p.Asn47Ser (NM_001297709.2, NM_001297711.2, NM_001297712.2); c.104A>G, p.Asn35Ser (NM_001297710.2); short protein forms N35S, N47S.
Identifiers: ClinVar variation 3625197 (VCV003625197.2).